The following is an entry in ClinVar:

ClinVar aggregate classification (germline): Uncertain significance (1 of 4 stars; one submission).

Allele frequency attached by ClinVar (database versions not stated): gnomAD exomes below 0.00001 and 0.00001; ExAC 0.00001; gnomAD 0.00001; TOPMed 0.00001.
gnomAD v4.1: 2 of 1,612,838 alleles (0.00012%); highest among the groups gnomAD compares: African/African-American, 0.0013%; no homozygotes.

Submission:

Labcorp Genetics (formerly Invitae), Labcorp
Classification: Uncertain significance. Last evaluated: 2023-12-10. Review status: criteria provided, single submitter. Criteria: Invitae Variant Classification Sherloc (09022015). Collection method: clinical testing. Allele origin: germline.
Comment: This sequence change replaces leucine, which is neutral and non-polar, with phenylalanine, which is neutral and non-polar, at codon 408 of the IMPG1 protein (p.Leu408Phe). This variant is present in population databases (rs746778199, gnomAD 0.007%). This variant has not been reported in the literature in individuals affected with IMPG1-related conditions. ClinVar contains an entry for this variant (Variation ID: 1052499). Algorithms developed to predict the effect of missense changes on protein structure and function output the following: SIFT: "Not Available"; PolyPhen-2: "Benign"; Align-GVGD: "Not Available". The phenylalanine amino acid residue is found in multiple mammalian species, which suggests that this missense change does not adversely affect protein function. In summary, the available evidence is currently insufficient to determine the role of this variant in disease. Therefore, it has been classified as a Variant of Uncertain Significance.

NM_001563.4(IMPG1):c.1224G>C (p.Leu408Phe)

Gene: IMPG1 (interphotoreceptor matrix proteoglycan 1; minus strand). Cytogenetic location: 6q14.1.
Variant type: single nucleotide variant.
Coding change: c.1224G>C on transcript NM_001563.4 (MANE Select); coding-DNA position 1224, G replaced by C.
Protein change: p.Leu408Phe; replaces leucine 408 with phenylalanine.
Molecular consequence: missense variant.
Genome position (GRCh38, 1-based): chr6:76,002,985, C>G on the plus strand (G>C on the coding strand, the complement: IMPG1 is on the minus strand). VCF-style: chr6-76002985-C-G. GRCh37 (hg19) VCF-style: chr6-76712702-C-G.
Other names: c.990G>C, p.Leu330Phe (NM_001282368.2); short protein forms L330F, L408F.
Identifiers: ClinVar variation 1052499 (VCV001052499.9), dbSNP rs746778199, ClinGen allele CA3898179.